The following is an entry in ClinVar:

ClinVar aggregate classification (germline): Uncertain significance (1 of 4 stars; one submission).

Conditions:
Dyskeratosis congenita, autosomal recessive 6 (DKCB6). Identifiers: MedGen C4225356, MONDO:0014600, OMIM 616353.
Pulmonary fibrosis and/or bone marrow failure, Telomere-related, 4. Also called: PULMONARY FIBROSIS AND/OR BONE MARROW FAILURE SYNDROME, TELOMERE-RELATED, 4. Identifiers: Orphanet 2032, MedGen C4225347, MONDO:0014612, OMIM 616371.

Allele frequency attached by ClinVar (database versions not stated): TOPMed 0.00001.
gnomAD v4.1: 1 of 1,594,764 alleles (0.000063%); no homozygotes.

Submission:

Labcorp Genetics (formerly Invitae), Labcorp
Classification: Uncertain significance for Dyskeratosis congenita, autosomal recessive 6; Pulmonary fibrosis and/or bone marrow failure, Telomere-related, 4. Last evaluated: 2025-01-24. Review status: criteria provided, single submitter. Criteria: Invitae Variant Classification Sherloc (09022015). Collection method: clinical testing. Allele origin: germline.
Comment: This sequence change replaces valine, which is neutral and non-polar, with glycine, which is neutral and non-polar, at codon 284 of the PARN protein (p.Val284Gly). This variant is not present in population databases (gnomAD no frequency). This variant has not been reported in the literature in individuals affected with PARN-related conditions. ClinVar contains an entry for this variant (Variation ID: 2419542). Invitae Evidence Modeling of protein sequence and biophysical properties (such as structural, functional, and spatial information, amino acid conservation, physicochemical variation, residue mobility, and thermodynamic stability) indicates that this missense variant is expected to disrupt PARN protein function with a positive predictive value of 80%. In summary, the available evidence is currently insufficient to determine the role of this variant in disease. Therefore, it has been classified as a Variant of Uncertain Significance.

NM_002582.4(PARN):c.851T>G (p.Val284Gly)

Gene: PARN (poly(A)-specific ribonuclease; minus strand). Cytogenetic location: 16p13.12.
Variant type: single nucleotide variant.
Coding change: c.851T>G on transcript NM_002582.4 (MANE Select); coding-DNA position 851, T replaced by G.
Protein change: p.Val284Gly; replaces valine 284 with glycine.
Molecular consequence: missense variant.
Genome position (GRCh38, 1-based): chr16:14,593,368, A>C on the plus strand (T>G on the coding strand, the complement: PARN is on the minus strand). VCF-style: chr16-14593368-A-C. GRCh37 (hg19) VCF-style: chr16-14687225-A-C.
Other names: c.668T>G, p.Val223Gly (NM_001134477.3); c.713T>G, p.Val238Gly (NM_001242992.2); short protein forms V223G, V238G, V284G.
Identifiers: ClinVar variation 2419542 (VCV002419542.10), dbSNP rs1970312523, ClinGen allele CA394804764.